The following is an entry in ClinVar:

NM_000219.6(KCNE1):c.158T>G (p.Phe53Cys)

Gene: KCNE1 (potassium voltage-gated channel subfamily E regulatory subunit 1; minus strand). Cytogenetic location: 21q22.12.
Variant type: single nucleotide variant.
Coding change: c.158T>G on transcript NM_000219.6 (MANE Select); coding-DNA position 158, T replaced by G.
Protein change: p.Phe53Cys; replaces phenylalanine 53 with cysteine.
Molecular consequence: missense variant.
Genome position (GRCh38, 1-based): chr21:34,449,477, A>C on the plus strand (T>G on the coding strand, the complement: KCNE1 is on the minus strand). VCF-style: chr21-34449477-A-C. GRCh37 (hg19) VCF-style: chr21-35821775-A-C.
Other names: c.158T>G, p.Phe53Cys (NM_001127668.4, NM_001127669.4, NM_001127670.4 and 4 more transcripts); short protein forms F53C.
Identifiers: ClinVar variation 234995 (VCV000234995.5), dbSNP rs199473355, ClinGen allele CA10581188.

ClinVar aggregate classification (germline): Uncertain significance (1 of 4 stars; one submission).

Submissions (2):

Stanford Center for Inherited Cardiovascular Disease, Stanford University
Classification: Uncertain significance. Last evaluated: 2012-03-12. Review status: criteria provided, single submitter. Criteria: ACMG Guidelines, 2015. Collection method: provider interpretation. Allele origin: germline.

Roden Lab, Vanderbilt University Medical Center
No classification provided (evidence only). Condition: Long QT syndrome 5. Review status: no classification provided. Collection method: in vitro. Allele origin: not applicable. Functional consequence: Effect on ion channel function. Not counted in ClinVar's aggregate classification.
ClinVar note: "not provided" was previously submitted as the classification for the variant. However, the classification appeared to be based only on an observation of functional data so it was converted to no classification on 2025-07-30.